The following is an entry in ClinVar:

ClinVar aggregate classification (germline): Benign/Likely benign. Review status: criteria provided, multiple submitters, no conflicts (2 of 4 stars). 4 submissions from 4 submitters: Benign (1); Likely benign (3). Last evaluated 2026-05-15.

Conditions:
Cardiovascular phenotype. Identifiers: MedGen CN230736.
Hereditary cancer-predisposing syndrome. Also called: Hereditary neoplastic syndrome; Tumor predisposition; Hereditary Cancer Syndrome; Neoplastic Syndromes, Hereditary. Identifiers: Orphanet 140162, MedGen C0027672, MeSH D009386, MONDO:0015356.
Neurofibromatosis, type 1 (NF1). Also called: VON RECKLINGHAUSEN DISEASE; Peripheral type neurofibromatosis; Neurofibromatosis, type I; NEUROFIBROMATOSIS, TYPE I, SOMATIC. Identifiers: Orphanet 636, MedGen C0027831, MONDO:0018975, OMIM 162200. Disease mechanism: loss of function.

Allele frequency attached by ClinVar (database versions not stated): gnomAD exomes 0.00001.
gnomAD v4.1: 10 of 1,613,724 alleles (0.00062%); highest among the groups gnomAD compares: Non-Finnish European, 0.00068%; no homozygotes.

Submissions (4):

Myriad Genetics, Inc.
Classification: Benign for Neurofibromatosis, type 1. Last evaluated: 2026-05-15. Review status: criteria provided, single submitter. Criteria: Myriad Autosomal Dominant, Autosomal Recessive and X-Linked Classification Criteria (2023). Collection method: clinical testing. Allele origin: unknown.
Comment: This variant is considered benign. This variant is a silent/synonymous amino acid change and it is not expected to impact splicing.

Labcorp Genetics (formerly Invitae), Labcorp
Classification: Likely benign for Neurofibromatosis, type 1. Last evaluated: 2025-07-30. Review status: criteria provided, single submitter. Criteria: Invitae Variant Classification Sherloc (09022015). Collection method: clinical testing. Allele origin: germline.

Blueprint Genetics
Classification: Likely benign. Last evaluated: 2024-09-20. Review status: criteria provided, single submitter. Criteria: ACMG Guidelines, 2015. Collection method: clinical testing. Allele origin: germline.

Ambry Genetics
Classification: Likely benign for Cardiovascular phenotype; Hereditary cancer-predisposing syndrome. Last evaluated: 2019-12-06. Review status: criteria provided, single submitter. Criteria: Ambry Variant Classification Scheme 2023. Collection method: clinical testing. Allele origin: germline.

NM_001042492.3(NF1):c.1611C>T (p.His537=)

Gene: NF1 (neurofibromin 1; plus strand). Cytogenetic location: 17q11.2.
Variant type: single nucleotide variant.
Coding change: c.1611C>T on transcript NM_001042492.3 (MANE Select); coding-DNA position 1611, C replaced by T.
Protein change: p.His537=; no amino-acid change (histidine 537 retained).
Molecular consequence: synonymous variant.
Genome position (GRCh38, 1-based): chr17:31,219,088, C>T. VCF-style: chr17-31219088-C-T. GRCh37 (hg19) VCF-style: chr17-29546106-C-T.
Other names: c.1611C>T, p.His537= (NM_000267.4, NM_001128147.3).
Identifiers: ClinVar variation 1125182 (VCV001125182.11), dbSNP rs1597703539, ClinGen allele CA499226920.